The following is an entry in ClinVar:

ClinVar aggregate classification (germline): Uncertain significance (1 of 4 stars; one submission).

Submission:

Labcorp Genetics (formerly Invitae), Labcorp
Classification: Uncertain significance. Last evaluated: 2022-03-31. Review status: criteria provided, single submitter. Criteria: Invitae Variant Classification Sherloc (09022015). Collection method: clinical testing. Allele origin: germline.
Comment: This variant is not present in population databases (gnomAD no frequency). This sequence change replaces serine, which is neutral and polar, with proline, which is neutral and non-polar, at codon 869 of the CDH2 protein (p.Ser869Pro). This variant has not been reported in the literature in individuals affected with CDH2-related conditions. In summary, the available evidence is currently insufficient to determine the role of this variant in disease. Therefore, it has been classified as a Variant of Uncertain Significance. Algorithms developed to predict the effect of missense changes on protein structure and function (SIFT, PolyPhen-2, Align-GVGD) all suggest that this variant is likely to be disruptive.

NM_001792.5(CDH2):c.2605T>C (p.Ser869Pro)

Genes: CDH2 (cadherin 2; minus strand), CDH2-AS1 (CDH2 antisense RNA 1; plus strand). Cytogenetic location: 18q12.1.
Variant type: single nucleotide variant.
Coding change: c.2605T>C on transcript NM_001792.5 (MANE Select); coding-DNA position 2605, T replaced by C.
Protein change: p.Ser869Pro; replaces serine 869 with proline.
Molecular consequence: missense variant.
Genome position (GRCh38, 1-based): chr18:27,952,269, A>G on the plus strand (T>C on the coding strand, the complement: CDH2 is on the minus strand). VCF-style: chr18-27952269-A-G. GRCh37 (hg19) VCF-style: chr18-25532233-A-G.
Other names: c.2512T>C, p.Ser838Pro (NM_001308176.2); short protein forms S869P, S838P.
Identifiers: ClinVar variation 1949462 (VCV001949462.5), dbSNP rs1598982439, ClinGen allele CA402101300.